The following is an entry in ClinVar:

NM_002291.3(LAMB1):c.3124G>A (p.Gly1042Ser)

Gene: LAMB1 (laminin subunit beta 1; minus strand). Cytogenetic location: 7q31.1.
Variant type: single nucleotide variant.
Coding change: c.3124G>A on transcript NM_002291.3 (MANE Select); coding-DNA position 3124, G replaced by A.
Protein change: p.Gly1042Ser; replaces glycine 1042 with serine.
Molecular consequence: missense variant.
Genome position (GRCh38, 1-based): chr7:107,952,179, C>T on the plus strand (G>A on the coding strand, the complement: LAMB1 is on the minus strand). VCF-style: chr7-107952179-C-T. GRCh37 (hg19) VCF-style: chr7-107592624-C-T.
Other names: short protein forms G1042S.
Identifiers: ClinVar variation 376946 (VCV000376946.36), dbSNP rs149204722, ClinGen allele CA4435423.
Genomic context (GRCh38, chr7:107,952,179, plus strand): 5'-CGATCACATTAGGAAGACACAAGCACTGACCAGTGGCTTTGTCGCACTGGCAGTCAGAGC[C>T]GTTACAGTGCTCTTGCACGGTGCCCAGGTAATTACAGACACACTCTGCAAAAGAACATCA-3'
Protein context (NP_002282.2, residues 1032-1052): YLGTVQEHCN[Gly1042Ser]SDCQCDKATG

ClinVar aggregate classification (germline): Conflicting classifications of pathogenicity. Review status: criteria provided, conflicting classifications (1 of 4 stars). 7 submissions from 7 submitters: Uncertain significance (1); Benign (1); Likely benign (4). 1 of the submissions does not count toward it. Last evaluated 2026-01-25.

Conditions:
LAMB1-related disorder. Also called: LAMB1-related condition.
Inborn genetic diseases. Identifiers: MedGen C0950123, MeSH D030342.

Allele frequency attached by ClinVar (database versions not stated): gnomAD exomes 0.00018 and 0.00073; ESP Exome Variant Server 0.00038; gnomAD 0.00043 and 0.00051; TOPMed 0.00046; ExAC 0.00061; 1000 Genomes Project 30x 0.00172; 1000 Genomes Project 0.00220.
gnomAD v4.1: 393 of 1,613,056 alleles (0.024%); highest among the groups gnomAD compares: East Asian, 0.31%; 2 homozygotes.

Submissions (7):

Labcorp Genetics (formerly Invitae), Labcorp
Classification: Benign. Last evaluated: 2026-01-25. Review status: criteria provided, single submitter. Criteria: Invitae Variant Classification Sherloc (09022015). Collection method: clinical testing. Allele origin: germline.

Blueprint Genetics
Classification: Likely benign. Last evaluated: 2024-10-03. Review status: criteria provided, single submitter. Criteria: ACMG Guidelines, 2015. Collection method: clinical testing. Allele origin: germline.

CeGaT Center for Human Genetics Tuebingen
Classification: Likely benign. Last evaluated: 2024-06-01. Review status: criteria provided, single submitter. Criteria: CeGaT Center For Human Genetics Tuebingen Variant Classification Criteria Version 2. Collection method: clinical testing. Allele origin: germline. Affected: yes. Observed: 1 variant allele.
Comment: LAMB1: BP4, BS2

Ambry Genetics
Classification: Likely benign for Inborn genetic diseases. Last evaluated: 2022-11-10. Review status: criteria provided, single submitter. Criteria: Ambry Variant Classification Scheme 2023. Collection method: clinical testing. Allele origin: germline.

GeneDx
Classification: Likely benign. Last evaluated: 2018-11-09. Review status: criteria provided, single submitter. Criteria: GeneDx Variant Classification Process June 2021. Collection method: clinical testing. Allele origin: germline. Affected: yes.

Center for Pediatric Genomic Medicine, Children's Mercy Hospital and Clinics
Classification: Uncertain significance. Last evaluated: 2016-10-13. Review status: criteria provided, single submitter. Criteria: ACMG Guidelines, 2015. Collection method: clinical testing. Allele origin: germline.
ClinVar note: Converted during submission from Uncertain Significance to Uncertain significance.

PreventionGenetics, part of Exact Sciences
Classification: Likely benign for LAMB1-related condition. Last evaluated: 2019-12-12. Review status: no assertion criteria provided. Collection method: clinical testing. Allele origin: germline. Not counted in ClinVar's aggregate classification.
Comment: This variant is classified as likely benign based on ACMG/AMP sequence variant interpretation guidelines (Richards et al. 2015 PMID: 25741868, with internal and published modifications).